The following is an entry in ClinVar:

NM_000257.4(MYH7):c.1990T>C (p.Ser664Pro)

Gene: MYH7 (myosin heavy chain 7; minus strand). Cytogenetic location: 14q11.2.
Variant type: single nucleotide variant.
Coding change: c.1990T>C on transcript NM_000257.4 (MANE Select); coding-DNA position 1990, T replaced by C.
Protein change: p.Ser664Pro; replaces serine 664 with proline.
Molecular consequence: missense variant.
Genome position (GRCh38, 1-based): chr14:23,426,831, A>G on the plus strand (T>C on the coding strand, the complement: MYH7 is on the minus strand). VCF-style: chr14-23426831-A-G. GRCh37 (hg19) VCF-style: chr14-23896040-A-G.
Other names: c.1990T>C, p.Ser664Pro (NM_001407004.1); short protein forms S664P.
Identifiers: ClinVar variation 3400928 (VCV003400928.2).
Genomic context (GRCh38, chr14:23,426,831, plus strand): 5'-CCTCACCTGGAGACTTTGTCTCATTAGGGATGATACAACGTACAAAGTGGGGATGGGTGG[A>G]GCGCAAGTTGGTCATCAGCTTGTTCAGATTTTCCTGTGGCCAAAAATGCAATAGAGAAAA-3'
Protein context (NP_000248.2, residues 654-674): NLNKLMTNLR[Ser664Pro]THPHFVRCII

ClinVar aggregate classification (germline): Uncertain significance. Review status: criteria provided, multiple submitters, no conflicts (2 of 4 stars). 2 submissions from 2 submitters: Uncertain significance (2). Last evaluated 2025-04-08.

Conditions:
Cardiovascular phenotype. Identifiers: MedGen CN230736.
Hypertrophic cardiomyopathy. Also called: HYPERTROPHIC MYOCARDIOPATHY. Identifiers: Orphanet 217569, MedGen C0007194, MeSH D002312, MONDO:0005045, HP:0001639.

Submissions (2):

Labcorp Genetics (formerly Invitae), Labcorp
Classification: Uncertain significance for Hypertrophic cardiomyopathy. Last evaluated: 2025-04-08. Review status: criteria provided, single submitter. Criteria: Invitae Variant Classification Sherloc (09022015). Collection method: clinical testing. Allele origin: germline.
Comment: This sequence change replaces serine, which is neutral and polar, with proline, which is neutral and non-polar, at codon 664 of the MYH7 protein (p.Ser664Pro). This variant is not present in population databases (gnomAD no frequency). This variant has not been reported in the literature in individuals affected with MYH7-related conditions. ClinVar contains an entry for this variant (Variation ID: 3400928). Invitae Evidence Modeling of protein sequence and biophysical properties (such as structural, functional, and spatial information, amino acid conservation, physicochemical variation, residue mobility, and thermodynamic stability) indicates that this missense variant is expected to disrupt MYH7 protein function with a positive predictive value of 95%. In summary, the available evidence is currently insufficient to determine the role of this variant in disease. Therefore, it has been classified as a Variant of Uncertain Significance.

Ambry Genetics
Classification: Uncertain significance for Cardiovascular phenotype. Last evaluated: 2024-08-01. Review status: criteria provided, single submitter. Criteria: Ambry Variant Classification Scheme 2023. Collection method: clinical testing. Allele origin: germline.
Comment: The p.S664P variant (also known as c.1990T>C), located in coding exon 16 of the MYH7 gene, results from a T to C substitution at nucleotide position 1990. The serine at codon 664 is replaced by proline, an amino acid with similar properties. This alteration is located in the myosin head domain, which contains a statistically significant clustering of pathogenic missense variants (Homburger JR et al. Proc Natl Acad Sci U S A, 2016 06;113:6701-6; Walsh R et al. Genet Med, 2017 02;19:192-203; Ambry internal data). This amino acid position is highly conserved in available vertebrate species. In addition, this alteration is predicted to be deleterious by in silico analysis. Based on the available evidence, the clinical significance of this variant remains unclear.